The following is an entry in ClinVar:

NM_001853.4(COL9A3):c.91C>T (p.Pro31Ser)

Gene: COL9A3 (collagen type IX alpha 3 chain; plus strand). Cytogenetic location: 20q13.33.
Variant type: single nucleotide variant.
Coding change: c.91C>T on transcript NM_001853.4 (MANE Select); coding-DNA position 91, C replaced by T.
Protein change: p.Pro31Ser; replaces proline 31 with serine.
Molecular consequence: missense variant.
Genome position (GRCh38, 1-based): chr20:62,817,579, C>T. VCF-style: chr20-62817579-C-T. GRCh37 (hg19) VCF-style: chr20-61448931-C-T.
Other names: c.91C>T (NM_001853.3); short protein forms P31S.
Identifiers: ClinVar variation 1471120 (VCV001471120.9), dbSNP rs1056228479, ClinGen allele CA317319365.

ClinVar aggregate classification (germline): Uncertain significance. Review status: criteria provided, multiple submitters, no conflicts (2 of 4 stars). 2 submissions from 2 submitters: Uncertain significance (2). Last evaluated 2026-01-12.

Conditions:
Inborn genetic diseases. Identifiers: MedGen C0950123, MeSH D030342.

Allele frequency attached by ClinVar (database versions not stated): TOPMed below 0.00001; gnomAD exomes 0.00001.
gnomAD v4.1: 9 of 1,538,950 alleles (0.00058%); highest among the groups gnomAD compares: Non-Finnish European, 0.00079%; no homozygotes.

Submissions (2):

Labcorp Genetics (formerly Invitae), Labcorp
Classification: Uncertain significance. Last evaluated: 2026-01-12. Review status: criteria provided, single submitter. Criteria: Invitae Variant Classification Sherloc (09022015). Collection method: clinical testing. Allele origin: germline.
Comment: This sequence change replaces proline, which is neutral and non-polar, with serine, which is neutral and polar, at codon 31 of the COL9A3 protein (p.Pro31Ser). This variant is present in population databases (no rsID available, gnomAD 0.002%). This variant has not been reported in the literature in individuals affected with COL9A3-related conditions. ClinVar contains an entry for this variant (Variation ID: 1471120). Invitae Evidence Modeling of protein sequence and biophysical properties (such as structural, functional, and spatial information, amino acid conservation, physicochemical variation, residue mobility, and thermodynamic stability) indicates that this missense variant is not expected to disrupt COL9A3 protein function with a negative predictive value of 95%. In summary, the available evidence is currently insufficient to determine the role of this variant in disease. Therefore, it has been classified as a Variant of Uncertain Significance.

Ambry Genetics
Classification: Uncertain significance for Inborn genetic diseases. Last evaluated: 2025-03-26. Review status: criteria provided, single submitter. Criteria: Ambry Variant Classification Scheme 2023. Collection method: clinical testing. Allele origin: germline.